The following is an entry in ClinVar:

NM_032119.4(ADGRV1):c.4342G>C (p.Gly1448Arg)

Gene: ADGRV1 (adhesion G protein-coupled receptor V1; plus strand). Cytogenetic location: 5q14.3.
Variant type: single nucleotide variant.
Coding change: c.4342G>C on transcript NM_032119.4 (MANE Select); coding-DNA position 4342, G replaced by C.
Protein change: p.Gly1448Arg; replaces glycine 1448 with arginine.
Molecular consequence: missense variant. On other transcripts: non-coding transcript variant (1).
Genome position (GRCh38, 1-based): chr5:90,653,916, G>C. VCF-style: chr5-90653916-G-C. GRCh37 (hg19) VCF-style: chr5-89949733-G-C.
Other names: short protein forms G1448R.
Identifiers: ClinVar variation 1967972 (VCV001967972.5), dbSNP rs1442030129, ClinGen allele CA360402357.
Genomic context (GRCh38, chr5:90,653,916, plus strand): 5'-CTAATTATCCTGGAGGATGGTATAATCGAATTCTACCTGGATGGAAATGCAATGCCCAGG[G>C]GAATCAAGAGTCTGAAAGGAGAAGCCATTACTGACGGTGAGGGTCATCATCACAACTAGG-3'
Protein context (NP_115495.3, residues 1438-1458): FYLDGNAMPR[Gly1448Arg]IKSLKGEAIT

ClinVar aggregate classification (germline): Uncertain significance (1 of 4 stars; one submission).

Allele frequency attached by ClinVar (database versions not stated): TOPMed 0.00001.

Submission:

Labcorp Genetics (formerly Invitae), Labcorp
Classification: Uncertain significance. Last evaluated: 2022-04-04. Review status: criteria provided, single submitter. Criteria: Invitae Variant Classification Sherloc (09022015). Collection method: clinical testing. Allele origin: germline.
Comment: This sequence change replaces glycine, which is neutral and non-polar, with arginine, which is basic and polar, at codon 1448 of the ADGRV1 protein (p.Gly1448Arg). In summary, the available evidence is currently insufficient to determine the role of this variant in disease. Therefore, it has been classified as a Variant of Uncertain Significance. Algorithms developed to predict the effect of missense changes on protein structure and function are either unavailable or do not agree on the potential impact of this missense change (SIFT: "Deleterious"; PolyPhen-2: "Probably Damaging"; Align-GVGD: "Class C0"). This variant has not been reported in the literature in individuals affected with ADGRV1-related conditions. This variant is not present in population databases (gnomAD no frequency).